The following is an entry in ClinVar:

ClinVar aggregate classification (germline): Uncertain significance. Review status: criteria provided, multiple submitters, no conflicts (2 of 4 stars). 2 submissions from 2 submitters: Uncertain significance (2). Last evaluated 2018-01-25.

Conditions:
Cardiovascular phenotype. Identifiers: MedGen CN230736.

Allele frequency attached by ClinVar (database versions not stated): TOPMed below 0.00001.

Submissions (2):

Ambry Genetics
Classification: Uncertain significance for Cardiovascular phenotype. Last evaluated: 2018-01-25. Review status: criteria provided, single submitter. Criteria: Ambry Variant Classification Scheme 2023. Collection method: clinical testing. Allele origin: germline.
Comment: The p.I1875T variant (also known as c.5624T>C), located in coding exon 26 of the TTN gene, results from a T to C substitution at nucleotide position 5624. The isoleucine at codon 1875 is replaced by threonine, an amino acid with similar properties. This amino acid position is poorly conserved in available vertebrate species. In addition, this alteration is predicted to be tolerated by in silico analysis. Since supporting evidence is limited at this time, the clinical significance of this alterations remains unclear.

Biesecker Lab/Clinical Genomics Section, National Institutes of Health
Classification: Uncertain significance. Last evaluated: 2013-06-24. Review status: criteria provided, single submitter. Criteria: Ng et al. (Circ Cardiovasc Genet. 2013). Collection method: research. Allele origin: unknown. Observed: 1 variant allele. Study: ClinSeq.
Comment: The study set was not selected for affection status in relation to any cancer. Pathogenicity categories were based on literature curation. See Pubmed ID:23861362 for details.

Medical sequencing

NM_001267550.2(TTN):c.5762T>C (p.Ile1921Thr)

Gene: TTN (titin; minus strand). Cytogenetic location: 2q31.2.
Variant type: single nucleotide variant.
Coding change: c.5762T>C on transcript NM_001267550.2 (MANE Select); coding-DNA position 5762, T replaced by C.
Protein change: p.Ile1921Thr; replaces isoleucine 1921 with threonine.
Molecular consequence: missense variant.
Genome position (GRCh38, 1-based): chr2:178,776,102, A>G on the plus strand (T>C on the coding strand, the complement: TTN is on the minus strand). VCF-style: chr2-178776102-A-G. GRCh37 (hg19) VCF-style: chr2-179640829-A-G.
Other names: c.5762T>C, p.Ile1921Thr (NM_133378.4, NM_001256850.1, NM_133379.5); c.5624T>C, p.Ile1875Thr (NM_003319.4, NM_133432.3, NM_133437.4); short protein forms I1921T, I1875T.
Identifiers: ClinVar variation 192079 (VCV000192079.3), dbSNP rs786205318, ClinGen allele CA238274.
Genomic context (GRCh38, chr2:178,776,102, plus strand): 5'-CTCCTAAGGACAGACCTAAAATCTTCCCTCTGTTGAATCTCAAGCTTCACTTTATGCTCT[A>G]TCACACCTTCAGGATTTTCCGCGGTGACCTTCACTTCACCTGTGTCATATGATTTGCAGT-3'
Protein context (NP_001254479.2, residues 1911-1931): KVTAENPEGV[Ile1921Thr]EHKVKLEIQQ